The following continues an entry in ClinVar:

NM_002693.3(POLG):c.2542G>A (p.Gly848Ser)

Gene: POLG. ClinVar aggregate classification (germline): Pathogenic. Pathogenic (35).

Submissions 23 to 31 of 44:

Rady Children's Institute for Genomic Medicine, Rady Children's Hospital San Diego
Classification: Pathogenic for Progressive sclerosing poliodystrophy; Mitochondrial DNA depletion syndrome 4b; Sensory ataxic neuropathy, dysarthria, and ophthalmoparesis; Progressive external ophthalmoplegia with mitochondrial DNA deletions, autosomal recessive 1; Progressive external ophthalmoplegia with mitochondrial DNA deletions, autosomal dominant 1. Last evaluated: 2020-07-21. Review status: criteria provided, single submitter. Criteria: ACMG Guidelines, 2015. Collection method: clinical testing. Allele origin: germline. Affected: yes.
Comment: This variant has been previously reported as a compound heterozygous change in multiple patients with autosomal recessive POLG-related disorders including Alpers-Huttenlocher syndrome (AHS), sensory ataxic neuropathy, optic Atrophy, intractable epilepsy and early onset epileptic encephalopathy (PMID: 12210792, 22189570, 23448099, 30552426, 30423451, 29655203). Functional characterization indicates that the p.Gly848Ser variant, which is located in the thumb domain of the protein and affects a conserved glycine residue upstream of motif polA, results in <1% polymerase activity, and in a defect in DNA binding function (PMID: 19478085). In addition, studies in model organisms indicated that the yeast-equivalent of the p.Gly848Ser variant results in high mtDNA instability (PMID: 17980715). The p.Gly848Ser variant is present in the heterozygous state in the gnomAD population database at a frequency of 0.017% (48/282794) and thus is presumed to be rare. In silico analyses support a deleterious effect of the c.2542G>A (p.Gly848Ser) variant on protein function. Based on the available evidence, the c.2542G>A (p.Gly848Ser) variant is classified as Pathogenic.

GeneDx
Classification: Pathogenic. Last evaluated: 2020-02-27. Review status: criteria provided, single submitter. Criteria: GeneDx Variant Classification Process June 2021. Collection method: clinical testing. Allele origin: germline. Affected: yes.
Comment: Accounts for approximately 10% of disease-causing alleles and has been identified in patients with autosomal recessive progressive external ophthalmoplegia (arPEO), Alpers syndrome, Leigh syndrome, SANDO, and other autosomal recessive POLG-related disorders causing epilepsy, ataxia, neuropathy, hepatopathy, and/or myopathy (Tang et al., 2011; Human DNA Polymerase Gamma Mutation Database); Published functional studies demonstrate a damaging effect, resulting in significantly impaired polymerase activity and DNA binding ability (Kasiviswanathan et al., 2009); In silico analysis supports that this missense variant has a deleterious effect on protein structure/function; This variant is associated with the following publications: (PMID: 27538665, 28130605, 31302675, 22616202, 21670405, 22189570, 22342071, 23448099, 12872260, 18500570, 24272679, 20513108, 20818383, 22006280, 25585994, 26692522, 27538604, 12210792, 17980715, 19478085, 27065468, 28139822, 28154168, 21880868, 18991199, 19766516, 28471437, 29655203, 30167885, 30423451, 30552426, 31996268, 33300680)

Genome Diagnostics Laboratory, The Hospital for Sick Children
Classification: Pathogenic for Hereditary spastic paraplegia. Last evaluated: 2018-11-01. Review status: criteria provided, single submitter. Criteria: ACMG Guidelines, 2015. Collection method: clinical testing. Allele origin: germline. Affected: yes.

Wong Mito Lab, Molecular and Human Genetics, Baylor College of Medicine
Classification: Pathogenic for Progressive sclerosing poliodystrophy. Last evaluated: 2018-10-01. Review status: criteria provided, single submitter. Criteria: ACMG Guidelines, 2015. Collection method: clinical testing. Allele origin: germline.
Comment: The NM_002693.2:c.2542G>A (NP_002684.1:p.Gly848Ser) [GRCH38: NC_000015.10:g.89321792C>T] variant in POLG gene is interpretated to be a Pathogenic based on ACMG guidelines (PMID: 25741868). This variant has been reported in PMID:12210792 ; 16177225 . This variant meets the following evidence codes reported in the ACMG-guideline. PS1:This variation causes same amino-acid change as an established pathogenic variant. PS3:Well established functional studies show a deleterious effect on POLG. PM2:This variant is absent in key population databases. PM3:Detected in trans with a pathogenic variant for Mitochondrial DNA depletion syndrome 4A (Alpers type) which is a recessive disorder. PP1:This variant is co-segregated with Mitochondrial DNA depletion syndrome 4A (Alpers type) in multiple affected family members. PP4:Patient's phenotype or family history is highly specific for POLG. Based on the evidence criteria codes applied, the variant is suggested to be Pathogenic.

SIB Swiss Institute of Bioinformatics
Classification: Pathogenic for Progressive sclerosing poliodystrophy. Last evaluated: 2018-05-31. Review status: criteria provided, single submitter. Criteria: ACMG Guidelines, 2015. Collection method: curation. Allele origin: unknown.
Comment: This variant is interpreted as a Pathogenic, for Mitochondrial DNA depletion syndrome 4A (Alpers type), in Autosomal Recessive manner. The following ACMG Tag(s) were applied: PP3 => Multiple lines of computational evidence support a deleterious effect on the gene or gene product. PM2 => Absent from controls (or at extremely low frequency if recessive) in Exome Sequencing Project, 1000 Genomes Project, or Exome Aggregation Consortium. PS4-Moderate => Common mutation frequently observed in multiple unrelated patients. (PMID:17426723,21880868). PM3 => For recessive disorders, detected in trans with a pathogenic variant (PMID:19478085). PS3 => Well-established functional studies show a deleterious effect (PMID:19478085).

Geisinger Autism and Developmental Medicine Institute, Geisinger Health System
Classification: Pathogenic for Progressive external ophthalmoplegia with mitochondrial DNA deletions, autosomal dominant 1. Last evaluated: 2017-09-07. Review status: criteria provided, single submitter. Criteria: ACMG Guidelines, 2015. Collection method: provider interpretation, clinical testing. Allele origin: paternal. Observed: 1 variant allele.
Comment: The p.G848S variant is a commonly reported pathogenic variant in the POLG gene, representing approximately 10% of disease-causing variants in this gene (Tang et al., 2011). The p.G848S variant was initially identified in a patient with autosomal recessive progressive external ophthalmoplegia (arPEO) and has subsequently been identified in individuals with Alpers syndrome, Leigh syndrome, SANDO, and other POLG-related disorders causing epilepsy, ataxia, neuropathy, hepatopathy, and/or myopathy (Lamantea et al., 2002). This variant alters a highly conserved position in the polymerase domain of POLG, and functional studies indicate that it significantly impairs the enzyme's polymerase activity and DNA binding ability (Kasiviswanathan et al., 2009).

Illumina Laboratory Services, Illumina
Classification: Pathogenic for POLG-Related Spectrum Disorders. Last evaluated: 2017-08-28. Review status: criteria provided, single submitter. Criteria: ICSL Variant Classification Criteria 09 May 2019. Collection method: clinical testing. Allele origin: germline.
Comment: The POLG c.2542G>A (p.Gly848Ser) missense variant is well-documented as one of the three most common pathogenic disease-causing variants found in patients with POLG-related disorders (Cohen et al. 2014). Haplotype analysis suggests it is most likely derived from a single ancient ancestor of European origin (Hakonen et al. 2007). The p.Gly848Ser variant has been reported in association with varied autosomal recessive phenotypes, but not in association with autosomal dominant POLG-related disorders. It was also identified in one individual with progressive external ophthalmoplegia in a double heterozygous state along with a missense variant in the C10orf2 gene (Van Goethem et al. 2003). The p.Gly848Ser variant has also been identified in three unaffected heterozygous individuals (Lamantea et al. 2002). Segregation analysis in multiple families showed the p.Gly848Ser variant segregated with POLG-related disorders. The variant is absent from 200 control individuals and from 180 control chromosomes (Lamantea et al. 2002; Van Goethem et al. 2003; Tang et al. 2011) and is reported at a frequency of 0.00034 in the European (non-Finnish) population of the Genome Aggregation Database. Lamantea et al. (2002) note that the Gly848 residue is highly conserved, and functional studies by Kasiviswanathan et al. (2009) indicate that the p.Gly848Ser variant significantly impairs POLG activity and DNA binding affinity. Based on the collective evidence, the p.Gly848Ser variant is classified as pathogenic for POLG-related spectrum disorders. This variant was observed by ICSL as part of a predisposition screen in an ostensibly healthy population.

Ambry Genetics
Classification: Pathogenic for Inborn genetic diseases. Last evaluated: 2017-01-27. Review status: criteria provided, single submitter. Criteria: Ambry Variant Classification Scheme 2023. Collection method: clinical testing. Allele origin: germline.
Comment: The p.G848S pathogenic mutation (also known as c.2542G>A), located in coding exon 15 of the POLG gene, results from a G to A substitution at nucleotide position 2542. The glycine at codon 848 is replaced by serine, an amino acid with similar properties. This mutation was first described in an individual with progressive external ophthalmoplegia (PEO), cytochrome c oxidase-neg ragged red fibers, and multiple mtDNA deletions in skeletal muscle who was compound heterozygous for another pathogenic POLG alteration (Lamantea E et al. Ann. Neurol., 2002 Aug;52:211-9). This mutation is located in the catalytic polymerase domain and is one of the most common POLG mutations, accounting for approximately 10% of mutant alleles in one large cohort of over 2000 patients with phenotypes suspicious for POLG deficiencies, including autosomal recessive PEO (arPEO), Alpers syndrome, and seizures (Tang S et al. J Med Genet. 2011 Oct;48(10):669-81). Based on the available evidence, p.G848S is classified as a pathogenic mutation.

Center for Pediatric Genomic Medicine, Children's Mercy Hospital and Clinics
Classification: Pathogenic. Last evaluated: 2017-01-05. Review status: criteria provided, single submitter. Criteria: ACMG Guidelines, 2015. Collection method: clinical testing. Allele origin: germline.